The following is an entry in ClinVar:

ClinVar aggregate classification (germline): Uncertain significance (1 of 4 stars; one submission).

Conditions:
Ehlers-Danlos syndrome, type 4 (EDSVASC). Also called: Ehlers-Danlos Syndrome Type IV; Ehlers-Danlos syndrome vascular type; Ehlers Danlos syndrome, ecchymotic type; Ehlers Danlos syndrome, arterial type; Ehlers Danlos syndrome, Sack-Barabas type. Identifiers: Orphanet 286, MedGen C0268338, MONDO:0017314, OMIM 130050.

Submission:

All of Us Research Program, National Institutes of Health
Classification: Uncertain significance for Ehlers-Danlos syndrome, type 4. Last evaluated: 2023-02-24. Review status: criteria provided, single submitter. Criteria: ACMG Guidelines, 2015. Collection method: clinical testing. Allele origin: germline. Inheritance: Autosomal dominant inheritance. Observed: 1 variant allele, 1 heterozygote.
Comment: This missense variant replaces proline with glutamine at codon 197 of the COL3A1 protein. Computational prediction suggests that this variant may not impact protein structure and function (internally defined REVEL score threshold <= 0.5, PMID: 27666373). To our knowledge, functional studies have not been reported for this variant. This variant has not been reported in individuals affected with cardiovascular disorders in the literature. This variant has not been identified in the general population by the Genome Aggregation Database (gnomAD). The available evidence is insufficient to determine the role of this variant in disease conclusively. Therefore, this variant is classified as a Variant of Uncertain Significance.

This study involves interpretation of variants in research participants for the purpose of population health screening. Participant phenotype was not available at the time of variant classification. Additional details can be found in publication PMID: 35346344, PMCID: PMC8962531

NM_000090.4(COL3A1):c.590C>A (p.Pro197Gln)

Gene: COL3A1 (collagen type III alpha 1 chain; plus strand). Cytogenetic location: 2q32.2.
Variant type: single nucleotide variant.
Coding change: c.590C>A on transcript NM_000090.4 (MANE Select); coding-DNA position 590, C replaced by A.
Protein change: p.Pro197Gln; replaces proline 197 with glutamine.
Molecular consequence: missense variant.
Genome position (GRCh38, 1-based): chr2:188,988,597, C>A. VCF-style: chr2-188988597-C-A. GRCh37 (hg19) VCF-style: chr2-189853323-C-A.
Other names: short protein forms P197Q.
Identifiers: ClinVar variation 3069631 (VCV003069631.1), dbSNP rs2469114472, ClinGen allele CA349848324.
Genomic context (GRCh38, chr2:188,988,597, plus strand): 5'-AATTATATGAAGATTTTGTTACTTTAAAATTATTTACATATTCTACTCACTAGGGATCTC[C>A]AGGATACCAAGGACCCCCTGGTGAACCTGGGCAAGCTGGTCCTTCAGTAAGTAACAATTA-3'
Protein context (NP_000081.2, residues 187-207): TSGHPGSPGS[Pro197Gln]GYQGPPGEPG